The following is an entry in ClinVar:

ClinVar aggregate classification (germline): Uncertain significance. Review status: criteria provided, multiple submitters, no conflicts (2 of 4 stars). 3 submissions from 3 submitters: Uncertain significance (3). Last evaluated 2025-03-25.

Conditions:
Inborn genetic diseases. Identifiers: MedGen C0950123, MeSH D030342.

Allele frequency attached by ClinVar (database versions not stated): gnomAD exomes 0.00005; ExAC 0.00006; TOPMed 0.00006; ESP Exome Variant Server 0.00015; 1000 Genomes Project 0.00020; 1000 Genomes Project 30x 0.00031.
gnomAD v4.1: 98 of 1,610,630 alleles (0.0061%); highest among the groups gnomAD compares: Middle Eastern, 0.017%; no homozygotes.

Submissions (3):

Labcorp Genetics (formerly Invitae), Labcorp
Classification: Uncertain significance. Last evaluated: 2025-03-25. Review status: criteria provided, single submitter. Criteria: Invitae Variant Classification Sherloc (09022015). Collection method: clinical testing. Allele origin: germline.
Comment: This sequence change replaces isoleucine, which is neutral and non-polar, with asparagine, which is neutral and polar, at codon 177 of the CABP4 protein (p.Ile177Asn). This variant is present in population databases (rs200503985, gnomAD 0.01%). This variant has not been reported in the literature in individuals affected with CABP4-related conditions. ClinVar contains an entry for this variant (Variation ID: 961776). Invitae Evidence Modeling of protein sequence and biophysical properties (such as structural, functional, and spatial information, amino acid conservation, physicochemical variation, residue mobility, and thermodynamic stability) indicates that this missense variant is expected to disrupt CABP4 protein function with a positive predictive value of 80%. In summary, the available evidence is currently insufficient to determine the role of this variant in disease. Therefore, it has been classified as a Variant of Uncertain Significance.

Ambry Genetics
Classification: Uncertain significance for Inborn genetic diseases. Last evaluated: 2024-01-02. Review status: criteria provided, single submitter. Criteria: Ambry Variant Classification Scheme 2023. Collection method: clinical testing. Allele origin: germline.

Blueprint Genetics
Classification: Uncertain significance. Last evaluated: 2023-12-07. Review status: criteria provided, single submitter. Criteria: ACMG Guidelines, 2015. Collection method: clinical testing. Allele origin: germline.

NM_145200.5(CABP4):c.530T>A (p.Ile177Asn)

Gene: CABP4 (calcium binding protein 4; plus strand). Cytogenetic location: 11q13.2.
Variant type: single nucleotide variant.
Coding change: c.530T>A on transcript NM_145200.5 (MANE Select); coding-DNA position 530, T replaced by A.
Protein change: p.Ile177Asn; replaces isoleucine 177 with asparagine.
Molecular consequence: missense variant.
Genome position (GRCh38, 1-based): chr11:67,456,431, T>A. VCF-style: chr11-67456431-T-A. GRCh37 (hg19) VCF-style: chr11-67223902-T-A.
Other names: c.215T>A, p.Ile72Asn (NM_001300895.3, NM_001300896.3, NM_001379183.1); short protein forms I177N, I72N.
Identifiers: ClinVar variation 961776 (VCV000961776.9), dbSNP rs200503985, ClinGen allele CA6140244.